The following is an entry in ClinVar:

ClinVar aggregate classification (germline): Likely benign. Review status: criteria provided, multiple submitters, no conflicts (2 of 4 stars). 2 submissions from 2 submitters: Likely benign (2). Last evaluated 2024-12-22.

Conditions:
Dilated cardiomyopathy 1R (CMD1R). Identifiers: Orphanet 154, Orphanet 54260, MedGen C3150681, MONDO:0013261, OMIM 613424.
Atrial septal defect 5 (ASD5). Identifiers: Orphanet 1478, MedGen C2748552, MONDO:0013011, OMIM 612794.
Hypertrophic cardiomyopathy 11. Also called: ACTC1-Related Familial Hypertrophic Cardiomyopathy. Identifiers: MedGen C2677506, MONDO:0012799, OMIM 612098.
Hypertrophic cardiomyopathy. Also called: HYPERTROPHIC MYOCARDIOPATHY. Identifiers: Orphanet 217569, MedGen C0007194, MeSH D002312, MONDO:0005045, HP:0001639.

Allele frequency attached by ClinVar (database versions not stated): gnomAD exomes below 0.00001; ExAC 0.00001; gnomAD 0.00001.
gnomAD v4.1: 4 of 1,611,456 alleles (0.00025%); highest among the groups gnomAD compares: Non-Finnish European, 0.000085%; no homozygotes.

Submissions (2):

Labcorp Genetics (formerly Invitae), Labcorp
Classification: Likely benign for Dilated cardiomyopathy 1R; Hypertrophic cardiomyopathy 11; Atrial septal defect 5. Last evaluated: 2024-12-22. Review status: criteria provided, single submitter. Criteria: Invitae Variant Classification Sherloc (09022015). Collection method: clinical testing. Allele origin: germline.

All of Us Research Program, National Institutes of Health
Classification: Likely benign for Hypertrophic cardiomyopathy. Last evaluated: 2023-11-30. Review status: criteria provided, single submitter. Criteria: ACMG Guidelines, 2015. Collection method: clinical testing. Allele origin: germline. Inheritance: Autosomal dominant inheritance. Observed: 2 variant alleles, 2 heterozygotes.
Comment: This study involves interpretation of variants in research participants for the purpose of population health screening. Participant phenotype was not available at the time of variant classification. Additional details can be found in publication PMID: 35346344, PMCID: PMC8962531

NM_005159.5(ACTC1):c.942T>C (p.Arg314=)

Genes: ACTC1 (actin alpha cardiac muscle 1; minus strand), GJD2-DT (GJD2 divergent transcript; plus strand). Cytogenetic location: 15q14.
Variant type: single nucleotide variant.
Coding change: c.942T>C on transcript NM_005159.5 (MANE Select); coding-DNA position 942, T replaced by C.
Protein change: p.Arg314=; no amino-acid change (arginine 314 retained).
Molecular consequence: synonymous variant.
Genome position (GRCh38, 1-based): chr15:34,791,162, A>G on the plus strand (T>C on the coding strand, the complement: ACTC1 is on the minus strand). VCF-style: chr15-34791162-A-G. GRCh37 (hg19) VCF-style: chr15-35083363-A-G.
Identifiers: ClinVar variation 1141917 (VCV001141917.10), dbSNP rs778914066, ClinGen allele CA043037.
Genomic context (GRCh38, chr15:34,791,162, plus strand): 5'-AAAGTTCTTTACCTTAATCTTCATGGTGCTAGGAGCCAGAGCAGTGATTTCCTTCTGCAT[A>G]CGATCAGCAATACCAGGGTACATAGTGGTGCCTCCAGATAAGACATTGTTGGCATACAGG-3'
Protein context (NP_005150.1, residues 304-324): GTTMYPGIAD[Arg314=]MQKEITALAP